The following is an entry in ClinVar:

NM_016169.4(SUFU):c.683+7A>T

Gene: SUFU (SUFU negative regulator of hedgehog signaling; plus strand). Cytogenetic location: 10q24.32.
Variant type: single nucleotide variant.
Coding change: c.683+7A>T on transcript NM_016169.4 (MANE Select); 7 bases into the intron after coding-DNA position 683, A replaced by T.
Molecular consequence: intron variant.
Genome position (GRCh38, 1-based): chr10:102,593,728, A>T. VCF-style: chr10-102593728-A-T. GRCh37 (hg19) VCF-style: chr10-104353485-A-T.
Other names: c.683+7A>T (NM_001178133.2).
Identifiers: ClinVar variation 1961158 (VCV001961158.5), dbSNP rs764695403, ClinGen allele CA5667740.

ClinVar aggregate classification (germline): Uncertain significance (1 of 4 stars; one submission).

Conditions:
Medulloblastoma (MDB). Also called: Medulloblastoma, somatic; MEDULLOBLASTOMA PREDISPOSITION SYNDROME. Identifiers: Orphanet 616, MedGen C0025149, MeSH D008527, MONDO:0007959, OMIM 155255, HP:0002885.
Gorlin syndrome. Also called: Basal cell nevus syndrome; Nevoid Basal Cell Carcinoma Syndrome. Identifiers: Orphanet 377, MedGen C0004779, MONDO:0007187.

Allele frequency attached by ClinVar (database versions not stated): gnomAD exomes below 0.00001; ExAC 0.00001.
gnomAD v4.1: 1 of 1,613,994 alleles (0.000062%); highest among the groups gnomAD compares: Non-Finnish European, 0.000085%; no homozygotes.

Submission:

Labcorp Genetics (formerly Invitae), Labcorp
Classification: Uncertain significance for Gorlin syndrome; Medulloblastoma. Last evaluated: 2023-08-10. Review status: criteria provided, single submitter. Criteria: Invitae Variant Classification Sherloc (09022015). Collection method: clinical testing. Allele origin: germline.
Comment: ClinVar contains an entry for this variant (Variation ID: 1961158). In summary, the available evidence is currently insufficient to determine the role of this variant in disease. Therefore, it has been classified as a Variant of Uncertain Significance. Algorithms developed to predict the effect of sequence changes on RNA splicing suggest that this variant may create or strengthen a splice site. This variant has not been reported in the literature in individuals affected with SUFU-related conditions. This variant is present in population databases (rs764695403, gnomAD 0.0009%). This sequence change falls in intron 5 of the SUFU gene. It does not directly change the encoded amino acid sequence of the SUFU protein.